The following is an entry in ClinVar:

ClinVar aggregate classification (germline): Uncertain significance (1 of 4 stars; one submission).

Allele frequency attached by ClinVar (database versions not stated): gnomAD exomes below 0.00001; ExAC 0.00001.
gnomAD v4.1: 1 of 1,614,158 alleles (0.000062%); highest among the groups gnomAD compares: Non-Finnish European, 0.000085%; no homozygotes.

Submission:

Labcorp Genetics (formerly Invitae), Labcorp
Classification: Uncertain significance. Last evaluated: 2022-12-05. Review status: criteria provided, single submitter. Criteria: Invitae Variant Classification Sherloc (09022015). Collection method: clinical testing. Allele origin: germline.
Comment: This variant is present in population databases (rs759861876, gnomAD 0.0009%). This sequence change replaces threonine, which is neutral and polar, with serine, which is neutral and polar, at codon 788 of the IGF1R protein (p.Thr788Ser). This variant has not been reported in the literature in individuals affected with IGF1R-related conditions. In summary, the available evidence is currently insufficient to determine the role of this variant in disease. Therefore, it has been classified as a Variant of Uncertain Significance. Advanced modeling of protein sequence and biophysical properties (such as structural, functional, and spatial information, amino acid conservation, physicochemical variation, residue mobility, and thermodynamic stability) performed at Invitae indicates that this missense variant is not expected to disrupt IGF1R protein function.

NM_000875.5(IGF1R):c.2363C>G (p.Thr788Ser)

Gene: IGF1R (insulin like growth factor 1 receptor; plus strand). Cytogenetic location: 15q26.3.
Variant type: single nucleotide variant.
Coding change: c.2363C>G on transcript NM_000875.5 (MANE Select); coding-DNA position 2363, C replaced by G.
Protein change: p.Thr788Ser; replaces threonine 788 with serine.
Molecular consequence: missense variant.
Genome position (GRCh38, 1-based): chr15:98,922,309, C>G. VCF-style: chr15-98922309-C-G. GRCh37 (hg19) VCF-style: chr15-99465538-C-G.
Other names: c.2363C>G, p.Thr788Ser (NM_001291858.2); short protein forms T788S.
Identifiers: ClinVar variation 2801816 (VCV002801816.3), dbSNP rs759861876, ClinGen allele CA7752377.